The following is an entry in ClinVar:

NM_207346.3(TSEN54):c.1520A>G (p.His507Arg)

Gene: TSEN54 (tRNA splicing endonuclease subunit 54; plus strand). Cytogenetic location: 17q25.1.
Variant type: single nucleotide variant.
Coding change: c.1520A>G on transcript NM_207346.3 (MANE Select); coding-DNA position 1520, A replaced by G.
Protein change: p.His507Arg; replaces histidine 507 with arginine.
Molecular consequence: missense variant.
Genome position (GRCh38, 1-based): chr17:75,524,351, A>G. VCF-style: chr17-75524351-A-G. GRCh37 (hg19) VCF-style: chr17-73520432-A-G.
Other names: short protein forms H507R.
Identifiers: ClinVar variation 2014120 (VCV002014120.4), dbSNP rs1326783189, ClinGen allele CA401031342.

ClinVar aggregate classification (germline): Uncertain significance (1 of 4 stars; one submission).

Allele frequency attached by ClinVar (database versions not stated): gnomAD exomes below 0.00001.

Submission:

Labcorp Genetics (formerly Invitae), Labcorp
Classification: Uncertain significance. Last evaluated: 2022-07-05. Review status: criteria provided, single submitter. Criteria: Invitae Variant Classification Sherloc (09022015). Collection method: clinical testing. Allele origin: germline.
Comment: In summary, the available evidence is currently insufficient to determine the role of this variant in disease. Therefore, it has been classified as a Variant of Uncertain Significance. Algorithms developed to predict the effect of missense changes on protein structure and function are either unavailable or do not agree on the potential impact of this missense change (SIFT: "Deleterious"; PolyPhen-2: "Probably Damaging"; Align-GVGD: "Class C0"). This variant has not been reported in the literature in individuals affected with TSEN54-related conditions. This variant is present in population databases (no rsID available, gnomAD 0.004%). This sequence change replaces histidine, which is basic and polar, with arginine, which is basic and polar, at codon 507 of the TSEN54 protein (p.His507Arg).